The following is an entry in ClinVar:

ClinVar aggregate classification (germline): Pathogenic/Likely pathogenic. Review status: criteria provided, multiple submitters, no conflicts (2 of 4 stars). 17 submissions from 17 submitters: Pathogenic (14); Likely pathogenic (1). 2 of the submissions do not count toward it. Last evaluated 2026-02-01.

Conditions:
PMM2-related disorder. Also called: PMM2-related condition.
PMM2-congenital disorder of glycosylation. Also called: CDG Ia; JAEKEN SYNDROME; PHOSPHOMANNOMUTASE 2 DEFICIENCY; CARBOHYDRATE-DEFICIENT GLYCOPROTEIN SYNDROME, TYPE Ia; PMM2-CDG; Congenital disorder of glycosylation, type Ia. Identifiers: Orphanet 79318, MedGen C0349653, MONDO:0008907, OMIM 212065.

Allele frequency attached by ClinVar (database versions not stated): ExAC 0.00001; gnomAD 0.00002; gnomAD exomes 0.00002; TOPMed 0.00003.
gnomAD v4.1: 36 of 1,613,056 alleles (0.0022%); highest among the groups gnomAD compares: South Asian, 0.0066%; no homozygotes.

Submissions 1 to 11 of 17:

Labcorp Genetics (formerly Invitae), Labcorp
Classification: Pathogenic for PMM2-congenital disorder of glycosylation. Last evaluated: 2026-02-01. Review status: criteria provided, single submitter. Criteria: Invitae Variant Classification Sherloc (09022015). Collection method: clinical testing. Allele origin: germline.
Comment: This sequence change replaces arginine, which is basic and polar, with tryptophan, which is neutral and slightly polar, at codon 162 of the PMM2 protein (p.Arg162Trp). This variant is present in population databases (rs104894526, gnomAD 0.006%). This missense change has been observed in individual(s) with congenital disorder of glycosylation type 1a (PMID: 9140401, 9497260, 15844218, 17166182, 21541725). In at least one individual the data is consistent with being in trans (on the opposite chromosome) from a pathogenic variant. ClinVar contains an entry for this variant (Variation ID: 7709). Invitae Evidence Modeling of protein sequence and biophysical properties (such as structural, functional, and spatial information, amino acid conservation, physicochemical variation, residue mobility, and thermodynamic stability) indicates that this missense variant is expected to disrupt PMM2 protein function with a positive predictive value of 80%. Experimental studies have shown that this missense change affects PMM2 function (PMID: 10386614, 26014514). Algorithms developed to predict the effect of sequence changes on RNA splicing suggest that this variant may disrupt the consensus splice site. For these reasons, this variant has been classified as Pathogenic.

Natera, Inc.
Classification: Pathogenic for Congenital disorder of glycosylation type 1a. Last evaluated: 2025-07-14. Review status: criteria provided, single submitter. Criteria: Natera Variant Classification Schema (03/2026). Collection method: clinical testing. Allele origin: germline.
Comment: The c.484C>T variant in PMM2 is a missense variant predicted to cause substitution of arginine to tryptophan at amino acid 162. This variant is rare in the general population with a frequency below the threshold expected for the associated phenotype(s). This variant has been observed in one or more individuals affected with the associated recessive disease, as either homozygous or compound heterozygous with a second variant (PMID: 21541725). Given the available evidence, this variant is classified as Pathogenic.

PreventionGenetics, part of Exact Sciences
Classification: Pathogenic for PMM2-related condition. Last evaluated: 2025-01-02. Review status: criteria provided, single submitter. Criteria: ACMG Guidelines, 2015. Collection method: clinical testing. Allele origin: germline.
Comment: The PMM2 c.484C>T variant is predicted to result in the amino acid substitution p.Arg162Trp. This variant was reported in the compound heterozygous state in multiple individuals with congenital disorder of glycosylation 1a (Matthijs et al. 1997. PubMed ID: 9140401; Le Bizec et al. 2005. PubMed ID: 15844218; Quelhas et al. 2006. PubMed ID: 17166182; Vega et al. 2011. PubMed ID: 21541725). Functional studies showed that the p.Arg162Trp substitution may impact protein stability and enzyme activity (Yuste-Checa et al. 2015. PubMed ID: 26014514). This variant is reported in 0.0065% of alleles in individuals of South Asian descent in gnomAD. This variant is interpreted as pathogenic.

Blueprint Genetics
Classification: Pathogenic for PMM2-related disorders. Last evaluated: 2024-08-21. Review status: criteria provided, single submitter. Criteria: ACMG Guidelines, 2015. Collection method: clinical testing. Allele origin: germline. Affected: yes. Observed: 4 variant alleles.

Fulgent Genetics
Classification: Pathogenic for PMM2-congenital disorder of glycosylation. Last evaluated: 2024-03-27. Review status: criteria provided, single submitter. Criteria: ACMG Guidelines, 2015. Collection method: clinical testing. Allele origin: germline.

Laboratorio de Genetica e Diagnostico Molecular, Hospital Israelita Albert Einstein
Classification: Pathogenic for PMM2-congenital disorder of glycosylation. Last evaluated: 2022-10-31. Review status: criteria provided, single submitter. Criteria: ACMG Guidelines, 2015. Collection method: clinical testing. Allele origin: germline. Affected: yes. Observed: 1 variant allele.
Comment: ACMG classification criteria: PS3 supporting, PM2 supporting, PM3 very strong, PP3 supporting

CeGaT Center for Human Genetics Tuebingen
Classification: Pathogenic. Last evaluated: 2022-07-01. Review status: criteria provided, single submitter. Criteria: CeGaT Center For Human Genetics Tuebingen Variant Classification Criteria Version 2. Collection method: clinical testing. Allele origin: germline. Affected: yes. Observed: 5 variant alleles.

Dasa
Classification: Pathogenic for PMM2-congenital disorder of glycosylation. Last evaluated: 2022-03-05. Review status: criteria provided, single submitter. Criteria: ACMG Guidelines, 2015. Collection method: clinical testing. Allele origin: germline. Affected: yes. Observed: 1 variant allele.
Comment: The c.484C>T;p.(Arg162Trp) missense variant has been observed in affected individual(s) and ClinVar contains an entry for this variant (ClinVar ID: 7709; PMID: 9140401; PMID: 17166182; PMID: 9497260; PMID: 21541725; PMID: 15844218) - PS4. The variant is located in a mutational hot spot and/or critical and well-established functional domain (PMM) - PM1. The variant is present at low allele frequencies population databases (rs104894526 – gnomAD 0.0001591%; ABraOM no frequency) - PM2_supporting. Multiple lines of computational evidence support a deleterious effect on the gene or gene product - PP3. In summary, the currently available evidence indicates that the variant is pathogenic

Victorian Clinical Genetics Services, Murdoch Childrens Research Institute
Classification: Pathogenic for PMM2-congenital disorder of glycosylation. Last evaluated: 2022-02-02. Review status: criteria provided, single submitter. Criteria: ACMG Guidelines, 2015. Collection method: clinical testing. Allele origin: germline. Inheritance: Autosomal recessive inheritance. Affected: yes.
Comment: Based on the classification scheme VCGS_Germline_v1.3.4, this variant is classified as Pathogenic. Following criteria are met: 0102 - Loss of function is a known mechanism of disease in this gene and is associated with type Ia congenital disorder of glycosylation (MIM#212065). (I) 0106 - This gene is associated with autosomal recessive disease. (I) 0200 - Variant is predicted to result in a missense amino acid change from arginine to trypophan. (I) 0251 - This variant is heterozygous. (I) 0304 - Variant is present in gnomAD (v2) <0.01 for a recessive condition (4 heterozygotes, 0 homozygotes). (SP) 0309 An alternative amino acid change at the same position has been observed in gnomAD (v2) (highest allele frequency: 7 heterozygotes, 0 homozygote). (I) 0502 - Missense variant with conflicting in silico predictions and uninformative conservation. (I) 0600 - Variant is located in the annotated PMM functional domain (NCBI). (I) 0801 - This variant has strong previous evidence of pathogenicity in unrelated individuals. This variant has been reported in multiple individuals with congenital disorder of glycosylation (ClinVar, Decipher, PMID: 9140401, 28915903, 30406445). (SP) 1002 - This variant has moderate functional evidence supporting abnormal protein function. Functional assessment of the variant showed decreased dimerisation, stability and enzymatic activity (PMID: 26014514) (SP) 1208 - Inheritance information for this variant is not currently available in this individual. (I) Legend: (SP) - Supporting pathogenic, (I) - Information, (SB) - Supporting benign

GeneDx
Classification: Pathogenic. Last evaluated: 2022-01-28. Review status: criteria provided, single submitter. Criteria: GeneDx Variant Classification Process June 2021. Collection method: clinical testing. Allele origin: germline. Affected: yes.
Comment: Published functional studies demonstrate the variant protein is less stable and has reduced enzyme activity compared to the wild-type protein (Yuste-Checa et al., 2015); Not observed at a significant frequency in large population cohorts (gnomAD); In silico analysis, which includes protein predictors and evolutionary conservation, supports a deleterious effect; This variant is associated with the following publications: (PMID: 26502900, 23430838, 26014514, 9140401, 30406445, 17166182, 10386614, 10527672, 15844218, 18948042, 11156536, 21541725, 32222543, 31589614, 33643843)

Women's Health and Genetics/Laboratory Corporation of America, LabCorp
Classification: Pathogenic for PMM2-congenital disorder of glycosylation. Last evaluated: 2022-01-11. Review status: criteria provided, single submitter. Criteria: LabCorp Variant Classification Summary - May 2015. Collection method: clinical testing. Allele origin: germline.
Comment: Variant summary: PMM2 c.484C>T (p.Arg162Trp) results in a non-conservative amino acid change located in the Cap domain (Yuste-Checa_2015) of the encoded protein sequence. Three of five in-silico tools predict a damaging effect of the variant on protein function. The variant allele was found at a frequency of 1.6e-05 in 251394 control chromosomes (gnomAD). c.484C>T has been reported in the literature in multiple individuals affected with Congenital Disorder Of Glycosylation (Matthijs_19997, Yang_2018, Quelhas2020, Lipiski_2021). These data indicate that the variant is very likely to be associated with disease. Functional studies report experimental evidence evaluating an impact on protein function and this variant effect results in reducing enzyme activity (Pirard_19999, Yuste-Checa_2015). Six ClinVar submitters (evaluation after 2014) cite the variant as pathogenic (n=5) and likely pathogenic (n=1). Based on the evidence outlined above, the variant was classified as pathogenic.

NM_000303.3(PMM2):c.484C>T (p.Arg162Trp)

Gene: PMM2 (phosphomannomutase 2; plus strand). Cytogenetic location: 16p13.2.
Variant type: single nucleotide variant.
Coding change: c.484C>T on transcript NM_000303.3 (MANE Select); coding-DNA position 484, C replaced by T.
Protein change: p.Arg162Trp; replaces arginine 162 with tryptophan.
Molecular consequence: missense variant.
Genome position (GRCh38, 1-based): chr16:8,811,674, C>T. VCF-style: chr16-8811674-C-T. GRCh37 (hg19) VCF-style: chr16-8905531-C-T.
Other names: NM_000303.2(PMM2):c.484C>T(p.Arg162Trp); short protein forms R162W.
Identifiers: ClinVar variation 7709 (VCV000007709.73), dbSNP rs104894526, ClinGen allele CA254231.